The following is an entry in ClinVar:

NM_002016.2(FLG):c.4829G>A (p.Arg1610Gln)

Genes: CCDST (cervical cancer associated DHX9 suppressive transcript; plus strand), FLG (filaggrin; minus strand). Cytogenetic location: 1q21.3.
Variant type: single nucleotide variant.
Coding change: c.4829G>A on transcript NM_002016.2 (MANE Select); coding-DNA position 4829, G replaced by A.
Protein change: p.Arg1610Gln; replaces arginine 1610 with glutamine.
Molecular consequence: missense variant.
Genome position (GRCh38, 1-based): chr1:152,310,057, C>T on the plus strand (G>A on the coding strand, the complement: FLG is on the minus strand). VCF-style: chr1-152310057-C-T. GRCh37 (hg19) VCF-style: chr1-152282533-C-T.
Other names: short protein forms R1610Q.
Identifiers: ClinVar variation 2251558 (VCV002251558.3), dbSNP rs148200894, ClinGen allele CA1106040.
Genomic context (GRCh38, chr1:152,310,057, plus strand): 5'-GAGCCATGTCTTGACTGCTCCCGAGCAGATCCATAATGGTTTCTGGAAGCCGACTCAGAC[C>T]GCCTCTCAGAGTCTTCTGAGTGTCCCTCACTGTCCCTGTCCTGACTAACACTGGATCCCT-3'
Protein context (NP_002007.1, residues 1600-1620): SEGHSEDSER[Arg1610Gln]SESASRNHYG

ClinVar aggregate classification (germline): Conflicting classifications of pathogenicity. Review status: criteria provided, conflicting classifications (1 of 4 stars). 2 submissions from 2 submitters: Uncertain significance (1); Likely benign (1). Last evaluated 2023-06-06.

Conditions:
Inborn genetic diseases. Identifiers: MedGen C0950123, MeSH D030342.

Allele frequency attached by ClinVar (database versions not stated): ExAC 0.00056; 1000 Genomes Project 0.00100; 1000 Genomes Project 30x 0.00156; gnomAD 0.00185; TOPMed 0.00190; ESP Exome Variant Server 0.00192.
gnomAD v4.1: 534 of 1,613,376 alleles (0.033%); highest among the groups gnomAD compares: African/African-American, 0.61%; 2 homozygotes.

Submissions (2):

GeneDx
Classification: Uncertain significance. Last evaluated: 2023-06-06. Review status: criteria provided, single submitter. Criteria: GeneDx Variant Classification Process June 2021. Collection method: clinical testing. Allele origin: germline. Affected: yes.
Comment: In silico analysis supports that this missense variant does not alter protein structure/function; Has not been previously published as pathogenic or benign to our knowledge

Ambry Genetics
Classification: Likely benign for Inborn genetic diseases. Last evaluated: 2021-09-01. Review status: criteria provided, single submitter. Criteria: Ambry Variant Classification Scheme 2023. Collection method: clinical testing. Allele origin: germline.